The following is an entry in ClinVar:

ClinVar aggregate classification (germline): Uncertain significance (1 of 4 stars; one submission).

gnomAD v4.1: 8 of 1,612,392 alleles (0.0005%); highest among the groups gnomAD compares: Non-Finnish European, 0.00068%; no homozygotes.

Submission:

Labcorp Genetics (formerly Invitae), Labcorp
Classification: Uncertain significance. Last evaluated: 2023-04-27. Review status: criteria provided, single submitter. Criteria: Invitae Variant Classification Sherloc (09022015). Collection method: clinical testing. Allele origin: germline.
Comment: This variant is not present in population databases (gnomAD no frequency). This sequence change replaces glutamic acid, which is acidic and polar, with aspartic acid, which is acidic and polar, at codon 46 of the ALPK1 protein (p.Glu46Asp). This variant has not been reported in the literature in individuals affected with ALPK1-related conditions. In summary, the available evidence is currently insufficient to determine the role of this variant in disease. Therefore, it has been classified as a Variant of Uncertain Significance. Advanced modeling of protein sequence and biophysical properties (such as structural, functional, and spatial information, amino acid conservation, physicochemical variation, residue mobility, and thermodynamic stability) performed at Invitae indicates that this missense variant is not expected to disrupt ALPK1 protein function.

NM_025144.4(ALPK1):c.138G>C (p.Glu46Asp)

Gene: ALPK1 (alpha kinase 1; plus strand). Cytogenetic location: 4q25.
Variant type: single nucleotide variant.
Coding change: c.138G>C on transcript NM_025144.4 (MANE Select); coding-DNA position 138, G replaced by C.
Protein change: p.Glu46Asp; replaces glutamic acid 46 with aspartic acid.
Molecular consequence: missense variant. On other transcripts: intron variant (1).
Genome position (GRCh38, 1-based): chr4:112,382,414, G>C. VCF-style: chr4-112382414-G-C. GRCh37 (hg19) VCF-style: chr4-113303570-G-C.
Other names: c.138G>C, p.Glu46Asp (NM_001102406.2); c.42+4516G>C (NM_001253884.2); short protein forms E46D.
Identifiers: ClinVar variation 2859866 (VCV002859866.3), dbSNP rs2476401716, ClinGen allele CA357988330.
Genomic context (GRCh38, chr4:112,382,414, plus strand): 5'-TTTCTTTGACTGCAATTTCCTTACCTGAACTCTGACCTTTTCAGCTTTACTCCCCAGCGA[G>C]TTAAGGACCCTGATCCAGGAGGCAAAGGAAATGAAGTGGCCCTTCGTGCCTGAAAAGTGG-3'
Protein context (NP_079420.3, residues 36-56): DQRCRALLPS[Glu46Asp]LRTLIQEAKE